The following is an entry in ClinVar:

ClinVar aggregate classification (germline): Likely benign. Review status: criteria provided, multiple submitters, no conflicts (2 of 4 stars). 3 submissions from 3 submitters: Likely benign (3). Last evaluated 2026-03-01.

Conditions:
Cardiovascular phenotype. Identifiers: MedGen CN230736.
Long QT syndrome (LQTS). Identifiers: MedGen C0023976, MeSH D008133, MONDO:0002442. Disease mechanism: loss of function. Inheritance: Various modes of inheritance.

Allele frequency attached by ClinVar (database versions not stated): gnomAD 0.00001 and 0.00003; TOPMed 0.00001; gnomAD exomes 0.00007 and 0.00014; ExAC 0.00016; 1000 Genomes Project 30x 0.00031; 1000 Genomes Project 0.00040.
gnomAD v4.1: 119 of 1,614,144 alleles (0.0074%); highest among the groups gnomAD compares: South Asian, 0.11%; 2 homozygotes.

Submissions (3):

CeGaT Center for Human Genetics Tuebingen
Classification: Likely benign. Last evaluated: 2026-03-01. Review status: criteria provided, single submitter. Criteria: CeGaT Center For Human Genetics Tuebingen Variant Classification Criteria Version 2. Collection method: clinical testing. Allele origin: germline. Affected: yes. Observed: 1 variant allele.
Comment: ANK2: BP4, BS1

Labcorp Genetics (formerly Invitae), Labcorp
Classification: Likely benign for Long QT syndrome. Last evaluated: 2025-02-05. Review status: criteria provided, single submitter. Criteria: Invitae Variant Classification Sherloc (09022015). Collection method: clinical testing. Allele origin: germline.

Ambry Genetics
Classification: Likely benign for Cardiovascular phenotype. Last evaluated: 2024-03-24. Review status: criteria provided, single submitter. Criteria: Ambry Variant Classification Scheme 2023. Collection method: clinical testing. Allele origin: germline.

NM_001148.6(ANK2):c.5833A>T (p.Thr1945Ser)

Genes: ANK2 (ankyrin 2; plus strand), LOC126807136 (MED14-independent group 3 enhancer GRCh37_chr4:114274931-114276130; plus strand). Cytogenetic location: 4q26.
Variant type: single nucleotide variant.
Coding change: c.5833A>T on transcript NM_001148.6 (MANE Select); coding-DNA position 5833, A replaced by T.
Protein change: p.Thr1945Ser; replaces threonine 1945 with serine.
Molecular consequence: missense variant. On other transcripts: intron variant (68).
Genome position (GRCh38, 1-based): chr4:113,354,451, A>T. VCF-style: chr4-113354451-A-T. GRCh37 (hg19) VCF-style: chr4-114275607-A-T.
Other names: c.5599A>T, p.Thr1867Ser (NM_001386142.1); c.2233A>T, p.Thr745Ser (NM_001386166.1); c.5974A>T, p.Thr1992Ser (NM_001386174.1); c.5950A>T, p.Thr1984Ser (NM_001386175.1); c.4411+4202A>T (NM_001386186.2, NM_001386148.2); c.4213+4202A>T (NM_001354269.3); c.4291+4202A>T (NM_001386187.2); c.4252+4202A>T (NM_001386147.1); and 35 more; short protein forms T1945S, T1867S, T1984S, T1992S, T745S.
Identifiers: ClinVar variation 738833 (VCV000738833.15), dbSNP rs527552716, ClinGen allele CA3051311.
Genomic context (GRCh38, chr4:113,354,451, plus strand): 5'-CACCCGCCAGTATCGCCTGGGAGAACAGAAAAACGCTTGCCTGTTTCACCCTCCGGAAGA[A>T]CGGACAAGCACCAACCTGTATCAACAGCTGGGAAAACTGAGAAGCACCTGCCTGTGTCAC-3'
Protein context (NP_001139.3, residues 1935-1955): KRLPVSPSGR[Thr1945Ser]DKHQPVSTAG